The following is an entry in ClinVar:

ClinVar aggregate classification (germline): Conflicting classifications of pathogenicity. Review status: criteria provided, conflicting classifications (1 of 4 stars). 3 submissions from 3 submitters: Uncertain significance (2); Likely benign (1). Last evaluated 2025-11-18.

Conditions:
Inborn genetic diseases. Identifiers: MedGen C0950123, MeSH D030342.

Allele frequency attached by ClinVar (database versions not stated): gnomAD 0.00001; TOPMed 0.00001; ExAC 0.00003; gnomAD exomes 0.00003.
gnomAD v4.1: 39 of 1,613,962 alleles (0.0024%); highest among the groups gnomAD compares: East Asian, 0.022%; no homozygotes.

Submissions (3):

Labcorp Genetics (formerly Invitae), Labcorp
Classification: Uncertain significance. Last evaluated: 2025-11-18. Review status: criteria provided, single submitter. Criteria: Invitae Variant Classification Sherloc (09022015). Collection method: clinical testing. Allele origin: germline.
Comment: This sequence change replaces threonine, which is neutral and polar, with methionine, which is neutral and non-polar, at codon 2345 of the VCAN protein (p.Thr2345Met). This variant is present in population databases (rs765414121, gnomAD 0.02%). This variant has not been reported in the literature in individuals affected with VCAN-related conditions. ClinVar contains an entry for this variant (Variation ID: 1025081). An algorithm developed to predict the effect of missense changes on protein structure and function (PolyPhen-2) suggests that this variant is likely to be disruptive. In summary, the available evidence is currently insufficient to determine the role of this variant in disease. Therefore, it has been classified as a Variant of Uncertain Significance.

Blueprint Genetics
Classification: Likely benign. Last evaluated: 2024-11-12. Review status: criteria provided, single submitter. Criteria: ACMG Guidelines, 2015. Collection method: clinical testing. Allele origin: germline.

Ambry Genetics
Classification: Uncertain significance for Inborn genetic diseases. Last evaluated: 2023-12-20. Review status: criteria provided, single submitter. Criteria: Ambry Variant Classification Scheme 2023. Collection method: clinical testing. Allele origin: germline.

NM_004385.5(VCAN):c.7034C>T (p.Thr2345Met)

Genes: VCAN (versican; plus strand), VCAN-AS1 (VCAN antisense RNA 1; minus strand). Cytogenetic location: 5q14.3.
Variant type: single nucleotide variant.
Coding change: c.7034C>T on transcript NM_004385.5 (MANE Select); coding-DNA position 7034, C replaced by T.
Protein change: p.Thr2345Met; replaces threonine 2345 with methionine.
Molecular consequence: missense variant. On other transcripts: intron variant (2).
Genome position (GRCh38, 1-based): chr5:83,540,037, C>T. VCF-style: chr5-83540037-C-T. GRCh37 (hg19) VCF-style: chr5-82835856-C-T.
Other names: c.4073C>T, p.Thr1358Met (NM_001164097.2); c.4004-5500C>T (NM_001164098.2); c.1043-5500C>T (NM_001126336.3); c.7034C>T (NM_004385.4); short protein forms T1358M, T2345M.
Identifiers: ClinVar variation 1025081 (VCV001025081.10), dbSNP rs765414121, ClinGen allele CA3333563.